The following is an entry in ClinVar:

NM_015046.7(SETX):c.234G>A (p.Lys78=)

Gene: SETX (senataxin; minus strand). Cytogenetic location: 9q34.13.
Variant type: single nucleotide variant.
Coding change: c.234G>A on transcript NM_015046.7 (MANE Select); coding-DNA position 234, G replaced by A.
Protein change: p.Lys78=; no amino-acid change (lysine 78 retained).
Molecular consequence: synonymous variant.
Genome position (GRCh38, 1-based): chr9:132,346,415, C>T on the plus strand (G>A on the coding strand, the complement: SETX is on the minus strand). VCF-style: chr9-132346415-C-T. GRCh37 (hg19) VCF-style: chr9-135221802-C-T.
Other names: p.Lys78=; c.234G>A, p.Lys78= (NM_001351527.2, NM_001351528.2).
Identifiers: ClinVar variation 705958 (VCV000705958.41), dbSNP rs146206138, ClinGen allele CA5298100.

ClinVar aggregate classification (germline): Likely benign. Review status: criteria provided, multiple submitters, no conflicts (2 of 4 stars). 5 submissions from 4 submitters: Likely benign (5). Last evaluated 2025-09-05.

Conditions:
Amyotrophic lateral sclerosis type 4 (ALS4). Also called: AMYOTROPHIC LATERAL SCLEROSIS 4, JUVENILE; NEURONOPATHY, DISTAL HEREDITARY MOTOR, WITH PYRAMIDAL FEATURES. Identifiers: Orphanet 357043, MedGen C1865409, MONDO:0011223, OMIM 602433.
Spinocerebellar ataxia, autosomal recessive, with axonal neuropathy 2 (SCAN2). Also called: ATAXIA-OCULOMOTOR APRAXIA 2; Ataxia with Oculomotor Apraxia; Ataxia with Oculomotor Apraxia Type 2; Ataxia-ocular apraxia-2. Identifiers: Orphanet 64753, MedGen C1853761, MONDO:0018996, OMIM 606002.

Allele frequency attached by ClinVar (database versions not stated): ExAC 0.00005; gnomAD exomes 0.00005 and 0.00010; gnomAD 0.00006; TOPMed 0.00006; ESP Exome Variant Server 0.00031.
gnomAD v4.1: 173 of 1,613,736 alleles (0.011%); highest among the groups gnomAD compares: Non-Finnish European, 0.013%; no homozygotes.

Submissions (5):

Labcorp Genetics (formerly Invitae), Labcorp
Classification: Likely benign for Amyotrophic lateral sclerosis type 4; Spinocerebellar ataxia, autosomal recessive, with axonal neuropathy 2. Last evaluated: 2025-09-05. Review status: criteria provided, single submitter. Criteria: Invitae Variant Classification Sherloc (09022015). Collection method: clinical testing. Allele origin: germline.

Mayo Clinic Laboratories, Mayo Clinic
Classification: Likely benign. Last evaluated: 2025-05-01. Review status: criteria provided, single submitter. Criteria: ACMG Guidelines, 2015. Collection method: clinical testing. Allele origin: germline. Observed: 2 variant alleles.
Comment: BP4, BP7

CeGaT Center for Human Genetics Tuebingen
Classification: Likely benign. Last evaluated: 2023-06-01. Review status: criteria provided, single submitter. Criteria: CeGaT Center For Human Genetics Tuebingen Variant Classification Criteria Version 2. Collection method: clinical testing. Allele origin: germline. Affected: yes. Observed: 3 variant alleles.
Comment: SETX: BP4, BP7

Genome-Nilou Lab
Classification: Likely benign for Spinocerebellar ataxia, autosomal recessive, with axonal neuropathy 2. Last evaluated: 2023-02-08. Review status: criteria provided, single submitter. Criteria: ACMG Guidelines, 2015. Collection method: clinical testing. Allele origin: germline.

Genome-Nilou Lab
Classification: Likely benign for Amyotrophic lateral sclerosis type 4. Last evaluated: 2023-02-08. Review status: criteria provided, single submitter. Criteria: ACMG Guidelines, 2015. Collection method: clinical testing. Allele origin: germline.